The following is an entry in ClinVar:

ClinVar aggregate classification (germline): Uncertain significance (1 of 4 stars; one submission).

Conditions:
Bailey-Bloch congenital myopathy (CMYO13). Also called: Congenital myopathy 13; STAC3 disorder; Native American myopathy. Identifiers: Orphanet 168572, MedGen C1850625, MONDO:0009722, OMIM 255995.

Allele frequency attached by ClinVar (database versions not stated): gnomAD exomes below 0.00001 and 0.00001; TOPMed below 0.00001; gnomAD 0.00001.
gnomAD v4.1: 11 of 1,613,820 alleles (0.00068%); highest among the groups gnomAD compares: East Asian, 0.0022%; no homozygotes.

Submission:

Labcorp Genetics (formerly Invitae), Labcorp
Classification: Uncertain significance for Bailey-Bloch congenital myopathy. Last evaluated: 2020-02-14. Review status: criteria provided, single submitter. Criteria: Invitae Variant Classification Sherloc (09022015). Collection method: clinical testing. Allele origin: germline.
Comment: In summary, the available evidence is currently insufficient to determine the role of this variant in disease. Therefore, it has been classified as a Variant of Uncertain Significance. Algorithms developed to predict the effect of missense changes on protein structure and function are either unavailable or do not agree on the potential impact of this missense change (SIFT: "Deleterious"; PolyPhen-2: "Benign"; Align-GVGD: "Class C65"). This sequence change replaces arginine with tryptophan at codon 192 of the STAC3 protein (p.Arg192Trp). The arginine residue is highly conserved and there is a moderate physicochemical difference between arginine and tryptophan. This variant is not present in population databases (ExAC no frequency). This variant has not been reported in the literature in individuals with STAC3-related conditions.

NM_145064.3(STAC3):c.574C>T (p.Arg192Trp)

Gene: STAC3 (SH3 and cysteine rich domain 3; minus strand). Cytogenetic location: 12q13.3.
Variant type: single nucleotide variant.
Coding change: c.574C>T on transcript NM_145064.3 (MANE Select); coding-DNA position 574, C replaced by T.
Protein change: p.Arg192Trp; replaces arginine 192 with tryptophan.
Molecular consequence: missense variant. On other transcripts: non-coding transcript variant (1).
Genome position (GRCh38, 1-based): chr12:57,246,833, G>A on the plus strand (C>T on the coding strand, the complement: STAC3 is on the minus strand). VCF-style: chr12-57246833-G-A. GRCh37 (hg19) VCF-style: chr12-57640616-G-A.
Other names: c.457C>T, p.Arg153Trp (NM_001286256.2); c.16C>T, p.Arg6Trp (NM_001286257.2); short protein forms R153W, R6W, R192W.
Identifiers: ClinVar variation 646124 (VCV000646124.11), dbSNP rs1202021365, ClinGen allele CA385413555.